The following is an entry in ClinVar:

NM_000525.4(KCNJ11):c.*849C>G

Gene: KCNJ11 (potassium inwardly rectifying channel subfamily J member 11; minus strand). Cytogenetic location: 11p15.1.
Variant type: single nucleotide variant.
Coding change: c.*849C>G on transcript NM_000525.4 (MANE Select); 849 bases downstream of the stop codon, C replaced by G.
Molecular consequence: 3 prime UTR variant.
Genome position (GRCh38, 1-based): chr11:17,386,070, G>C on the plus strand (C>G on the coding strand, the complement: KCNJ11 is on the minus strand). VCF-style: chr11-17386070-G-C. GRCh37 (hg19) VCF-style: chr11-17407617-G-C.
Other names: c.*849C>G (NM_001166290.2, NM_001377296.1, NM_001377297.1).
Identifiers: ClinVar variation 880301 (VCV000880301.5), dbSNP rs1272490539, ClinGen allele CA674171663.

ClinVar aggregate classification (germline): Uncertain significance. Review status: criteria provided, multiple submitters, no conflicts (2 of 4 stars). 4 submissions from 2 submitters: Uncertain significance (4). Last evaluated 2018-01-12.

Conditions:
Maturity-onset diabetes of the young type 13. Also called: MODY, TYPE 13. Identifiers: Orphanet 552, MedGen C4225365, MONDO:0014589, OMIM 616329.
Hyperinsulinemic hypoglycemia, familial, 2. Also called: HYPERINSULINEMIC HYPOGLYCEMIA, PERSISTENT; HYPERINSULINISM, NEONATAL. Identifiers: Orphanet 276580, Orphanet 276603, MedGen C2931833, MONDO:0011153, OMIM 601820. Disease mechanism: loss of function.
Maturity-onset diabetes of the young (MODY). Also called: Maturity onset diabetes mellitus in young. Identifiers: Orphanet 552, MedGen C0342276, MONDO:0018911, HP:0004904.
Diabetes mellitus, transient neonatal, 3 (TNDM3). Identifiers: Orphanet 99886, MedGen C1864623, MONDO:0012522, OMIM 610582. Disease mechanism: loss of function.

Allele frequency attached by ClinVar (database versions not stated): gnomAD 0.00003; TOPMed 0.00003.

Submissions (4):

Illumina Laboratory Services, Illumina
Classification: Uncertain significance for Maturity-onset diabetes of the young type 13. Last evaluated: 2018-01-12. Review status: criteria provided, single submitter. Criteria: ICSL Variant Classification Criteria 13 December 2019. Collection method: clinical testing. Allele origin: germline.

Illumina Laboratory Services, Illumina
Classification: Uncertain significance for Hyperinsulinemic hypoglycemia, familial, 2. Last evaluated: 2018-01-12. Review status: criteria provided, single submitter. Criteria: ICSL Variant Classification Criteria 13 December 2019. Collection method: clinical testing. Allele origin: germline.

Illumina Laboratory Services, Illumina
Classification: Uncertain significance for Diabetes mellitus, transient neonatal, 3. Last evaluated: 2018-01-12. Review status: criteria provided, single submitter. Criteria: ICSL Variant Classification Criteria 13 December 2019. Collection method: clinical testing. Allele origin: germline.

Clinical Genomics, Uppaluri K&H Personalized Medicine Clinic
Classification: Uncertain significance for Maturity-onset diabetes of the young. Review status: criteria provided, single submitter. Criteria: K&H Uppaluri Personalized Medicine Clinic Variant Classification & Assertion Criteria. Collection method: research. Allele origin: unknown. Inheritance: Autosomal dominant inheritance.
Comment: Mutations in KCNJ11 gene can cause decreased production and secretion of insulin. This can lead to MODY which may be responsive to oral sulfonylureas. It is also associated with with Neonatal Diabetes. However, no sufficient evidence is found to ascertain the role of rs1272490539 variant in MODY yet.

Literature cited by the submitters: PubMed 26448950 (cited by Clinical Genomics, Uppaluri K&H Personalized Medicine Clinic); PubMed 15580558 (cited by Clinical Genomics, Uppaluri K&H Personalized Medicine Clinic); PubMed 15718250 (cited by Clinical Genomics, Uppaluri K&H Personalized Medicine Clinic); PubMed 32935446 (cited by Clinical Genomics, Uppaluri K&H Personalized Medicine Clinic); PubMed 22701567 (cited by Clinical Genomics, Uppaluri K&H Personalized Medicine Clinic).